The following is an entry in ClinVar:

NM_006579.3(EBP):c.107_111del (p.Phe36fs)

Gene: EBP (EBP cholestenol delta-isomerase; plus strand). Cytogenetic location: Xp11.23.
Variant type: Deletion.
Coding change: c.107_111del on transcript NM_006579.3 (MANE Select); coding-DNA positions 107 to 111, 5 bases deleted (TCTCT; older notation c.107_111delTCTCT).
Protein change: p.Phe36fs; shifts the reading frame from phenylalanine 36.
Molecular consequence: frameshift variant.
Genome position (GRCh38, 1-based): chrX:48,523,878-48,523,882, TCTCT deleted; deleting any 5 consecutive bases within chrX:48,523,874-48,523,882 gives the same sequence; the c. name uses the placement nearest the transcript's 3' end. VCF-style (leftmost placement, unchanged base first): chrX-48523873-CCTCTT-C. GRCh37 (hg19) VCF-style: chrX-48382261-CCTCTT-C.
Other names: short protein forms F36fs.
Identifiers: ClinVar variation 1453472 (VCV001453472.6), dbSNP rs2147154613, ClinGen allele CA2573158933.

ClinVar aggregate classification (germline): Pathogenic (1 of 4 stars; one submission).

Submission:

Labcorp Genetics (formerly Invitae), Labcorp
Classification: Pathogenic. Last evaluated: 2021-06-13. Review status: criteria provided, single submitter. Criteria: Invitae Variant Classification Sherloc (09022015). Collection method: clinical testing. Allele origin: germline.
Comment: For these reasons, this variant has been classified as Pathogenic. This variant has not been reported in the literature in individuals with EBP-related conditions. This variant is not present in population databases (ExAC no frequency). This sequence change creates a premature translational stop signal (p.Phe36Cysfs*78) in the EBP gene. It is expected to result in an absent or disrupted protein product. Loss-of-function variants in EBP are known to be pathogenic (PMID: 10391218).

Literature cited by the submitters: PubMed 10391218.